The following is an entry in ClinVar:

NM_032776.3(JMJD1C):c.1169A>G (p.Asp390Gly)

Gene: JMJD1C (jumonji domain containing 1C; minus strand). Cytogenetic location: 10q21.3.
Variant type: single nucleotide variant.
Coding change: c.1169A>G on transcript NM_032776.3 (MANE Select); coding-DNA position 1169, A replaced by G.
Protein change: p.Asp390Gly; replaces aspartic acid 390 with glycine.
Molecular consequence: missense variant. On other transcripts: non-coding transcript variant (1).
Genome position (GRCh38, 1-based): chr10:63,214,998, T>C on the plus strand (A>G on the coding strand, the complement: JMJD1C is on the minus strand). VCF-style: chr10-63214998-T-C. GRCh37 (hg19) VCF-style: chr10-64974758-T-C.
Other names: c.623A>G, p.Asp208Gly (NM_001282948.2, NM_001318154.2); c.305A>G, p.Asp102Gly (NM_001318153.2); c.1055A>G, p.Asp352Gly (NM_001322252.2); c.512A>G, p.Asp171Gly (NM_001322254.2, NM_001322258.2); short protein forms D102G, D171G, D208G, D352G, D390G.
Identifiers: ClinVar variation 1005688 (VCV001005688.9), dbSNP rs1847812723, ClinGen allele CA377050404.

ClinVar aggregate classification (germline): Uncertain significance (1 of 4 stars; one submission).

Conditions:
Early Myoclonic Encephalopathy. Identifiers: MedGen C0270855.

Allele frequency attached by ClinVar (database versions not stated): gnomAD exomes below 0.00001.
gnomAD v4.1: 4 of 1,600,328 alleles (0.00025%); highest among the groups gnomAD compares: African/African-American, 0.0013%; no homozygotes.

Submission:

Labcorp Genetics (formerly Invitae), Labcorp
Classification: Uncertain significance for Early Myoclonic Encephalopathy. Last evaluated: 2020-07-30. Review status: criteria provided, single submitter. Criteria: Invitae Variant Classification Sherloc (09022015). Collection method: clinical testing. Allele origin: germline.
Comment: In summary, the available evidence is currently insufficient to determine the role of this variant in disease. Therefore, it has been classified as a Variant of Uncertain Significance. Algorithms developed to predict the effect of sequence changes on RNA splicing suggest that this variant may create or strengthen a splice site, but this prediction has not been confirmed by published transcriptional studies. Algorithms developed to predict the effect of missense changes on protein structure and function are either unavailable or do not agree on the potential impact of this missense change (SIFT: "Tolerated"; PolyPhen-2: "Benign"; Align-GVGD: "Class C0"). This variant has not been reported in the literature in individuals with JMJD1C-related conditions. This variant is not present in population databases (ExAC no frequency). This sequence change replaces aspartic acid with glycine at codon 390 of the JMJD1C protein (p.Asp390Gly). The aspartic acid residue is weakly conserved and there is a moderate physicochemical difference between aspartic acid and glycine.